The following is an entry in ClinVar:

ClinVar aggregate classification (germline): Conflicting classifications of pathogenicity. Review status: criteria provided, conflicting classifications (1 of 4 stars). 7 submissions from 7 submitters: Uncertain significance (1); Benign (1); Likely benign (4). 1 of the submissions does not count toward it. Last evaluated 2026-07-13.

Conditions:
CFTR-related disorder (CFTR-RD). Also called: CFTR-related disorders; CFTR-related condition. Identifiers: MedGen C5924204, MONDO:7770004.
Cystic fibrosis (CF). Also called: MUCOVISCIDOSIS. Identifiers: Orphanet 586, MedGen C0010674, MONDO:0009061, OMIM 219700. Disease mechanism: loss of function.

Allele frequency attached by ClinVar (database versions not stated): 1000 Genomes Project 30x 0.00016; TOPMed 0.00002; gnomAD exomes 0.00010 and 0.00012; gnomAD 0.00001 and 0.00003; 1000 Genomes Project 0.00020; ExAC 0.00012.
gnomAD v4.1: 142 of 1,614,022 alleles (0.0088%); highest among the groups gnomAD compares: South Asian, 0.085%; 1 homozygote.

Submissions (7):

Ambry Genetics
Classification: Likely benign for Cystic fibrosis. Last evaluated: 2026-07-13. Review status: criteria provided, single submitter. Criteria: Ambry Variant Classification Scheme 2023. Collection method: clinical testing. Allele origin: germline.

Labcorp Genetics (formerly Invitae), Labcorp
Classification: Benign for Cystic fibrosis. Last evaluated: 2026-01-21. Review status: criteria provided, single submitter. Criteria: Invitae Variant Classification Sherloc (09022015). Collection method: clinical testing. Allele origin: germline.

Blueprint Genetics
Classification: Likely benign. Last evaluated: 2024-10-02. Review status: criteria provided, single submitter. Criteria: ACMG Guidelines, 2015. Collection method: clinical testing. Allele origin: germline.

Genome-Nilou Lab
Classification: Likely benign for Cystic fibrosis. Last evaluated: 2021-07-22. Review status: criteria provided, single submitter. Criteria: ACMG Guidelines, 2015. Collection method: clinical testing. Allele origin: germline. Affected: no.

Women's Health and Genetics/Laboratory Corporation of America, LabCorp
Classification: Likely benign. Last evaluated: 2019-09-20. Review status: criteria provided, single submitter. Criteria: LabCorp Variant Classification Summary - May 2015. Collection method: clinical testing. Allele origin: germline.
Comment: Variant summary: CFTR c.2835G>A alters a non-conserved nucleotide resulting in a synonymous change. 4/4 computational tools predict no significant impact on normal splicing. However, these predictions have yet to be confirmed by functional studies. The variant allele was found at a frequency of 0.00012 in 251388 control chromosomes, predominantly at a frequency of 0.00085 within the South Asian subpopulation in the gnomAD database, including 1 homozygote. This frequency is not significantly higher than expected for a pathogenic variant in CFTR causing Cystic Fibrosis (0.00012 vs 0.013), allowing no conclusion about variant significance. To our knowledge, no occurrence of c.2835G>A in individuals affected with Cystic Fibrosis and no experimental evidence demonstrating its impact on protein function have been reported. No clinical diagnostic laboratories have submitted clinical-significance assessments for this variant to ClinVar after 2014. Based on the evidence outlined above, the variant was classified as likely benign.

Illumina Laboratory Services, Illumina
Classification: Uncertain significance for CFTR-Related Disorders. Last evaluated: 2017-04-27. Review status: criteria provided, single submitter. Criteria: ICSL Variant Classification Criteria 13 December 2019. Collection method: clinical testing. Allele origin: germline.

Natera, Inc.
Classification: Likely benign for Cystic Fibrosis. Last evaluated: 2020-05-15. Review status: no assertion criteria provided. Collection method: clinical testing. Allele origin: germline. Not counted in ClinVar's aggregate classification.

NM_000492.4(CFTR):c.2835G>A (p.Ser945=)

Gene: CFTR (CF transmembrane conductance regulator; plus strand). Cytogenetic location: 7q31.2.
Variant type: single nucleotide variant.
Coding change: c.2835G>A on transcript NM_000492.4 (MANE Select); coding-DNA position 2835, G replaced by A.
Protein change: p.Ser945=; no amino-acid change (serine 945 retained).
Molecular consequence: synonymous variant.
Genome position (GRCh38, 1-based): chr7:117,603,709, G>A. VCF-style: chr7-117603709-G-A. GRCh37 (hg19) VCF-style: chr7-117243763-G-A.
Identifiers: ClinVar variation 35852 (VCV000035852.27), dbSNP rs193922513, ClinGen allele CA260229.